The following is an entry in ClinVar:

ClinVar aggregate classification (germline): Uncertain significance (1 of 4 stars; one submission).

Conditions:
Hypertrophic cardiomyopathy. Also called: HYPERTROPHIC MYOCARDIOPATHY. Identifiers: Orphanet 217569, MedGen C0007194, MeSH D002312, MONDO:0005045, HP:0001639.

Submission:

Labcorp Genetics (formerly Invitae), Labcorp
Classification: Uncertain significance for Hypertrophic cardiomyopathy. Last evaluated: 2024-10-21. Review status: criteria provided, single submitter. Criteria: Invitae Variant Classification Sherloc (09022015). Collection method: clinical testing. Allele origin: germline.
Comment: This sequence change replaces valine, which is neutral and non-polar, with alanine, which is neutral and non-polar, at codon 176 of the TNNI3 protein (p.Val176Ala). This variant is not present in population databases (gnomAD no frequency). This variant has not been reported in the literature in individuals affected with TNNI3-related conditions. An algorithm developed to predict the effect of missense changes on protein structure and function (PolyPhen-2) suggests that this variant is likely to be disruptive. In summary, the available evidence is currently insufficient to determine the role of this variant in disease. Therefore, it has been classified as a Variant of Uncertain Significance.

NM_000363.5(TNNI3):c.527T>C (p.Val176Ala)

Gene: TNNI3 (troponin I3, cardiac type; minus strand). Cytogenetic location: 19q13.42.
Variant type: single nucleotide variant.
Coding change: c.527T>C on transcript NM_000363.5 (MANE Select); coding-DNA position 527, T replaced by C.
Protein change: p.Val176Ala; replaces valine 176 with alanine.
Molecular consequence: missense variant.
Genome position (GRCh38, 1-based): chr19:55,154,052, A>G on the plus strand (T>C on the coding strand, the complement: TNNI3 is on the minus strand). VCF-style: chr19-55154052-A-G. GRCh37 (hg19) VCF-style: chr19-55665420-A-G.
Other names: short protein forms V176A.
Identifiers: ClinVar variation 3723387 (VCV003723387.2).
Genomic context (GRCh38, chr19:55,154,052, plus strand): 5'-CCTCAGCATCCTCTTTCCTGGCCTTAGCCCACACTCACCTTCTCGGTGTCCTCCTTCTTC[A>G]CCTGCTTGAGGTGGGCCCGCAGGTCCAGGGACTCCTTAGCCCGGGCCCCCAGCAGCGCCT-3'
Protein context (NP_000354.4, residues 166-186): SLDLRAHLKQ[Val176Ala]KKEDTEKENR